The following is an entry in ClinVar:

NM_033402.5(LRRCC1):c.857A>G (p.Asn286Ser)

Gene: LRRCC1 (leucine rich repeat and coiled-coil centrosomal protein 1; plus strand). Cytogenetic location: 8q21.2.
Variant type: single nucleotide variant.
Coding change: c.857A>G on transcript NM_033402.5 (MANE Select); coding-DNA position 857, A replaced by G.
Protein change: p.Asn286Ser; replaces asparagine 286 with serine.
Molecular consequence: missense variant. On other transcripts: intron variant (2).
Genome position (GRCh38, 1-based): chr8:85,115,511, A>G. VCF-style: chr8-85115511-A-G. GRCh37 (hg19) VCF-style: chr8-86027746-A-G.
Other names: c.578A>G, p.Asn193Ser (NM_001349636.2); c.431A>G, p.Asn144Ser (NM_001349637.2); c.33+2412A>G (NM_001349638.2); c.-14+2412A>G (NM_001349639.2); short protein forms N144S, N286S, N193S.
Identifiers: ClinVar variation 3630180 (VCV003630180.2).

ClinVar aggregate classification (germline): Uncertain significance (1 of 4 stars; one submission).

gnomAD v4.1: 28 of 1,613,698 alleles (0.0017%); highest among the groups gnomAD compares: Admixed American, 0.045%; no homozygotes.

Submission:

Labcorp Genetics (formerly Invitae), Labcorp
Classification: Uncertain significance. Last evaluated: 2024-11-13. Review status: criteria provided, single submitter. Criteria: Invitae Variant Classification Sherloc (09022015). Collection method: clinical testing. Allele origin: germline.
Comment: This sequence change replaces asparagine, which is neutral and polar, with serine, which is neutral and polar, at codon 286 of the LRRCC1 protein (p.Asn286Ser). This variant is present in population databases (rs765076788, gnomAD 0.09%), and has an allele count higher than expected for a pathogenic variant. This variant has not been reported in the literature in individuals affected with LRRCC1-related conditions. An algorithm developed to predict the effect of missense changes on protein structure and function outputs the following: PolyPhen-2: "Benign". The serine amino acid residue is found in multiple mammalian species, which suggests that this missense change does not adversely affect protein function. In summary, the available evidence is currently insufficient to determine the role of this variant in disease. Therefore, it has been classified as a Variant of Uncertain Significance.